The following is an entry in ClinVar:

ClinVar aggregate classification (germline): Uncertain significance (1 of 4 stars; one submission).

Conditions:
Intellectual developmental disorder, autosomal dominant 6, with or without seizures. Also called: GRIN2B-related developmental delay, intellectual disability and autism spectrum disorder; Intellectual disability, autosomal dominant 6. Identifiers: Orphanet 589547, MedGen C3151411, MONDO:0013509, OMIM 613970.
Developmental and epileptic encephalopathy, 27 (DEE27). Also called: Epileptic encephalopathy, early infantile, 27; GRIN2B-Related Neurodevelopmental Disorder. Identifiers: Orphanet 3451, MedGen C4015316, MONDO:0014505, OMIM 616139.

Allele frequency attached by ClinVar (database versions not stated): gnomAD exomes below 0.00001.
gnomAD v4.1: 2 of 1,614,138 alleles (0.00012%); highest among the groups gnomAD compares: Admixed American, 0.0017%; no homozygotes.

Submission:

Labcorp Genetics (formerly Invitae), Labcorp
Classification: Uncertain significance for Developmental and epileptic encephalopathy, 27; Intellectual developmental disorder, autosomal dominant 6, with or without seizures. Last evaluated: 2020-04-24. Review status: criteria provided, single submitter. Criteria: Invitae Variant Classification Sherloc (09022015). Collection method: clinical testing. Allele origin: germline.
Comment: This sequence change replaces serine with asparagine at codon 225 of the GRIN2B protein (p.Ser225Asn). The serine residue is highly conserved and there is a small physicochemical difference between serine and asparagine. This variant is not present in population databases (ExAC no frequency) and has not been reported in the literature in individuals with a GRIN2B-related disease. Algorithms developed to predict the effect of missense changes on protein structure and function do not agree on the potential impact of this missense change (SIFT: "Tolerated"; PolyPhen-2: "Possibly Damaging"; Align-GVGD: "Class C0"). In summary, this variant is a novel missense change with uncertain impact on protein function. It has been classified as a Variant of Uncertain Significance.

NM_000834.5(GRIN2B):c.674G>A (p.Ser225Asn)

Gene: GRIN2B (glutamate ionotropic receptor NMDA type subunit 2B; minus strand). Cytogenetic location: 12p13.1.
Variant type: single nucleotide variant.
Coding change: c.674G>A on transcript NM_000834.5 (MANE Select); coding-DNA position 674, G replaced by A.
Protein change: p.Ser225Asn; replaces serine 225 with asparagine.
Molecular consequence: missense variant.
Genome position (GRCh38, 1-based): chr12:13,753,653, C>T on the plus strand (G>A on the coding strand, the complement: GRIN2B is on the minus strand). VCF-style: chr12-13753653-C-T. GRCh37 (hg19) VCF-style: chr12-13906587-C-T.
Other names: short protein forms S225N.
Identifiers: ClinVar variation 411107 (VCV000411107.9), dbSNP rs1060503158, ClinGen allele CA16613763.
Genomic context (GRCh38, chr12:13,753,653, plus strand): 5'-TTGGCCACTTCAAAGATGTAGGTGGCTTCTTCCTTGGTACAGTAAAGAAGAATGATGGGG[C>T]TTTGAAGTTTCTTGAGCTGATTCTGGATCTTAGAATCTCCATCGTCCAGGGACATGTCCA-3'
Protein context (NP_000825.2, residues 215-235): KIQNQLKKLQ[Ser225Asn]PIILLYCTKE